The following is an entry in ClinVar:

NM_001035.3(RYR2):c.14885A>G (p.Tyr4962Cys)

Gene: RYR2 (ryanodine receptor 2; plus strand). Cytogenetic location: 1q43.
Variant type: single nucleotide variant.
Coding change: c.14885A>G on transcript NM_001035.3 (MANE Select); coding-DNA position 14885, A replaced by G.
Protein change: p.Tyr4962Cys; replaces tyrosine 4962 with cysteine.
Molecular consequence: missense variant.
Genome position (GRCh38, 1-based): chr1:237,832,628, A>G. VCF-style: chr1-237832628-A-G. GRCh37 (hg19) VCF-style: chr1-237995928-A-G.
Other names: p.Y4962C:TAT>TGT; c.14885A>G, p.Tyr4962Cys (LRG_402t1); short protein forms Y4962C.
Identifiers: ClinVar variation 201405 (VCV000201405.14), dbSNP rs794728832, ClinGen allele CA008466.
Genomic context (GRCh38, chr1:237,832,628, plus strand): 5'-AGATGTATCAAGAAAGGTGTTGGGAATTTTTCCCAGCAGGGGATTGCTTCCGGAAACAGT[A>G]TGAAGACCAGCTAAATTAAACTCAGACCCAATCACCTCTAAAAACCAAAACCCTACCCCT-3'
Protein context (NP_001026.2, residues 4952-4967): FPAGDCFRKQ[Tyr4962Cys]EDQLN

ClinVar aggregate classification (germline): Pathogenic/Likely pathogenic. Review status: criteria provided, multiple submitters, no conflicts (2 of 4 stars). 3 submissions from 3 submitters: Pathogenic (1); Likely pathogenic (2). Last evaluated 2025-06-05.

Conditions:
Cardiovascular phenotype. Identifiers: MedGen CN230736.
Catecholaminergic polymorphic ventricular tachycardia 1. Also called: RYR2-Related Catecholaminergic Polymorphic Ventricular Tachycardia; VENTRICULAR TACHYCARDIA, CATECHOLAMINERGIC POLYMORPHIC, 1, WITH OR WITHOUT ATRIAL DYSFUNCTION AND/OR DILATED CARDIOMYOPATHY; VENTRICULAR TACHYCARDIA, STRESS-INDUCED POLYMORPHIC 1. Identifiers: Orphanet 3286, MedGen C1631597, MONDO:0011484, OMIM 604772.

Submissions (3):

Ambry Genetics
Classification: Likely pathogenic for Cardiovascular phenotype. Last evaluated: 2025-06-05. Review status: criteria provided, single submitter. Criteria: Ambry Variant Classification Scheme 2023. Collection method: clinical testing. Allele origin: germline.
Comment: The c.14885A>G (p.Y4962C) alteration is located in exon 105 (coding exon 105) of the RYR2 gene. This alteration results from an A to G substitution at nucleotide position 14885, causing the tyrosine (Y) at amino acid position 4962 to be replaced by a cysteine (C). This variant was not reported in population-based cohorts in the Genome Aggregation Database (gnomAD). This variant was reported in individual(s) with features consistent with catecholaminergic polymorphic ventricular tachycardia (CPVT); in at least one individual, it was determined to be de novo (van der Werf, 2012; Giudicessi, 2019; external communication). This amino acid position is highly conserved in available vertebrate species. This alteration is predicted to be deleterious by in silico analysis. Based on the available evidence, this alteration is classified as likely pathogenic.

Labcorp Genetics (formerly Invitae), Labcorp
Classification: Pathogenic for Catecholaminergic polymorphic ventricular tachycardia 1. Last evaluated: 2023-08-10. Review status: criteria provided, single submitter. Criteria: Invitae Variant Classification Sherloc (09022015). Collection method: clinical testing. Allele origin: germline.
Comment: This missense change has been observed in individual(s) with clinical features of catecholaminergic polymorphic ventricular tachycardia (CPVT) (PMID: 22787013, 31112425; Invitae). In at least one individual the variant was observed to be de novo. ClinVar contains an entry for this variant (Variation ID: 201405). Advanced modeling of protein sequence and biophysical properties (such as structural, functional, and spatial information, amino acid conservation, physicochemical variation, residue mobility, and thermodynamic stability) performed at Invitae indicates that this missense variant is expected to disrupt RYR2 protein function. For these reasons, this variant has been classified as Pathogenic. This variant is not present in population databases (gnomAD no frequency). This sequence change replaces tyrosine, which is neutral and polar, with cysteine, which is neutral and slightly polar, at codon 4962 of the RYR2 protein (p.Tyr4962Cys).

GeneDx
Classification: Likely pathogenic. Last evaluated: 2011-12-15. Review status: criteria provided, single submitter. Criteria: GeneDx Variant Classification (06012015). Collection method: clinical testing. Allele origin: germline. Affected: yes.
Comment: This variant is denoted Tyr4962Cys (aka Y4962C) at the protein level and c.14885 A>G at the cDNA level. The Tyr4962Cys variant in the RYR2 gene results in a semi-conservative amino acid substitution of a neutral, polar Tyrosine residue with a neutral, polar Cysteine that can affect disulfide bonds and protein structure. In addition, Tyrs4962 is a highly conserved position throughout evolution. In silico analysis predicts Tyr4962Cys is damaging to the protein structure/function (Adzhubei IA et al., 2010; Schwarz JM et al., 2011). Furthermore, Tyr4962Cys was reported in a genotype-positive individual with a family history of CPVT (van der Werf et al., 2011). The NHLBI ESP Exome Variant Server reports Tyr4962Cys was not observed in approximately 4,700 individuals from European and African American backgrounds, indicating it is not a common benign polymorphism in these populations. Nevertheless, Tyr4962Cys does not reside in one of the three mutation hot spot regions of the RYR2 gene (Medeiros-Domingo A et al., 2009). Therefore, we cannot definitively determine the clinical significance of the Tyr4962Cys variant, though evidence suggests it is disease-causing. The variant is found in CPVT panel(s).

Literature cited by the submitters: PubMed 22787013 (cited by Ambry Genetics and Labcorp Genetics (formerly Invitae), Labcorp); PubMed 31112425 (cited by Ambry Genetics and Labcorp Genetics (formerly Invitae), Labcorp).